The following is an entry in ClinVar:

ClinVar aggregate classification (germline): Uncertain significance (1 of 4 stars; one submission).

Conditions:
Emery-Dreifuss muscular dystrophy (EDMD). Also called: Scapuloperoneal syndrome, X-linked (formerly); Humeroperoneal neuromuscular disease, (formerly). Identifiers: Orphanet 261, MedGen C0410189, MONDO:0016830.

Allele frequency attached by ClinVar (database versions not stated): ExAC 0.00001; gnomAD 0.00001; gnomAD exomes 0.00001; TOPMed 0.00003; ESP Exome Variant Server 0.00008.
gnomAD v4.1: 50 of 1,613,912 alleles (0.0031%); highest among the groups gnomAD compares: Non-Finnish European, 0.0041%; no homozygotes.

Submission:

Labcorp Genetics (formerly Invitae), Labcorp
Classification: Uncertain significance for Emery-Dreifuss muscular dystrophy. Last evaluated: 2025-05-26. Review status: criteria provided, single submitter. Criteria: Invitae Variant Classification Sherloc (09022015). Collection method: clinical testing. Allele origin: germline.
Comment: This sequence change replaces aspartic acid, which is acidic and polar, with glutamic acid, which is acidic and polar, at codon 253 of the SUN2 protein (p.Asp253Glu). This variant is present in population databases (rs375173070, gnomAD 0.002%). This variant has not been reported in the literature in individuals affected with SUN2-related conditions. ClinVar contains an entry for this variant (Variation ID: 957262). An algorithm developed to predict the effect of missense changes on protein structure and function outputs the following: PolyPhen-2: "Benign". The glutamic acid amino acid residue is found in multiple mammalian species, which suggests that this missense change does not adversely affect protein function. In summary, the available evidence is currently insufficient to determine the role of this variant in disease. Therefore, it has been classified as a Variant of Uncertain Significance.

NM_015374.3(SUN2):c.759C>G (p.Asp253Glu)

Gene: SUN2 (Sad1 and UNC84 domain containing 2; minus strand). Cytogenetic location: 22q13.1.
Variant type: single nucleotide variant.
Coding change: c.759C>G on transcript NM_015374.3 (MANE Select); coding-DNA position 759, C replaced by G.
Protein change: p.Asp253Glu; replaces aspartic acid 253 with glutamic acid.
Molecular consequence: missense variant.
Genome position (GRCh38, 1-based): chr22:38,745,738, G>C on the plus strand (C>G on the coding strand, the complement: SUN2 is on the minus strand). VCF-style: chr22-38745738-G-C. GRCh37 (hg19) VCF-style: chr22-39141743-G-C.
Other names: c.822C>G, p.Asp274Glu (NM_001199579.2); c.759C>G, p.Asp253Glu (NM_001199580.2); short protein forms D253E, D274E.
Identifiers: ClinVar variation 957262 (VCV000957262.9), dbSNP rs375173070, ClinGen allele CA10235785.